The following is an entry in ClinVar:

NM_006361.6(HOXB13):c.308C>G (p.Ala103Gly)

Gene: HOXB13 (homeobox B13; minus strand). Cytogenetic location: 17q21.32.
Variant type: single nucleotide variant.
Coding change: c.308C>G on transcript NM_006361.6 (MANE Select); coding-DNA position 308, C replaced by G.
Protein change: p.Ala103Gly; replaces alanine 103 with glycine.
Molecular consequence: missense variant.
Genome position (GRCh38, 1-based): chr17:48,728,286, G>C on the plus strand (C>G on the coding strand, the complement: HOXB13 is on the minus strand). VCF-style: chr17-48728286-G-C. GRCh37 (hg19) VCF-style: chr17-46805648-G-C.
Other names: short protein forms A103G.
Identifiers: ClinVar variation 822838 (VCV000822838.4), dbSNP rs760196832, ClinGen allele CA400107720.
Genomic context (GRCh38, chr17:48,728,286, plus strand): 5'-CGGCTGGGGTACTCTTCCCCGGCCGTGGGAGTCTCCGCGGGGTACGCGGCCAGGGTGGCT[G>C]CCTGGGCACAGGGTTTCAGCGAGCTCCGGGACACTCGGCAGGAGTAGTACCCGCCTCCAA-3'
Protein context (NP_006352.2, residues 93-113): SRSSLKPCAQ[Ala103Gly]ATLAAYPAET

ClinVar aggregate classification (germline): Uncertain significance (1 of 4 stars; one submission).

Conditions:
Hereditary cancer-predisposing syndrome. Also called: Tumor predisposition; Hereditary Cancer Syndrome; Neoplastic Syndromes, Hereditary; Hereditary neoplastic syndrome. Identifiers: Orphanet 140162, MedGen C0027672, MeSH D009386, MONDO:0015356.

Submission:

Ambry Genetics
Classification: Uncertain significance for Hereditary cancer-predisposing syndrome. Last evaluated: 2019-10-11. Review status: criteria provided, single submitter. Criteria: Ambry Variant Classification Scheme 2023. Collection method: clinical testing. Allele origin: germline.
Comment: The p.A103G variant (also known as c.308C>G), located in coding exon 1 of the HOXB13 gene, results from a C to G substitution at nucleotide position 308. The alanine at codon 103 is replaced by glycine, an amino acid with similar properties. This amino acid position is poorly conserved in available vertebrate species. In addition, this alteration is predicted to be tolerated by in silico analysis. Since supporting evidence is limited at this time, the clinical significance of this alteration remains unclear.